The following is an entry in ClinVar:

ClinVar aggregate classification (germline): Uncertain significance. Review status: criteria provided, multiple submitters, no conflicts (2 of 4 stars). 2 submissions from 2 submitters: Uncertain significance (2). Last evaluated 2026-07-20.

Conditions:
Neurofibromatosis, type 1 (NF1). Also called: NEUROFIBROMATOSIS, TYPE I, SOMATIC; Peripheral type neurofibromatosis; VON RECKLINGHAUSEN DISEASE; Neurofibromatosis, type I. Identifiers: Orphanet 636, MedGen C0027831, MONDO:0018975, OMIM 162200. Disease mechanism: loss of function.
Hereditary cancer-predisposing syndrome. Also called: Tumor predisposition; Hereditary Cancer Syndrome; Hereditary neoplastic syndrome; Neoplastic Syndromes, Hereditary. Identifiers: Orphanet 140162, MedGen C0027672, MeSH D009386, MONDO:0015356.
Cardiovascular phenotype. Identifiers: MedGen CN230736.

Submissions (2):

Ambry Genetics
Classification: Uncertain significance for Cardiovascular phenotype; Hereditary cancer-predisposing syndrome. Last evaluated: 2026-07-20. Review status: criteria provided, single submitter. Criteria: Ambry Variant Classification Scheme 2023. Collection method: clinical testing. Allele origin: germline.
Comment: The p.T2544I variant (also known as c.7631C>T), located in coding exon 51 of the NF1 gene, results from a C to T substitution at nucleotide position 7631. The threonine at codon 2544 is replaced by isoleucine, an amino acid with similar properties. This amino acid position is conserved. In addition, this alteration is predicted to be tolerated by in silico analysis. Based on the available evidence, the clinical significance of this variant remains unclear.

Labcorp Genetics (formerly Invitae), Labcorp
Classification: Uncertain significance for Neurofibromatosis, type 1. Last evaluated: 2022-03-12. Review status: criteria provided, single submitter. Criteria: Invitae Variant Classification Sherloc (09022015). Collection method: clinical testing. Allele origin: germline.
Comment: This sequence change replaces threonine, which is neutral and polar, with isoleucine, which is neutral and non-polar, at codon 2544 of the NF1 protein (p.Thr2544Ile). This variant is not present in population databases (gnomAD no frequency). This variant has not been reported in the literature in individuals affected with NF1-related conditions. Algorithms developed to predict the effect of missense changes on protein structure and function are either unavailable or do not agree on the potential impact of this missense change (SIFT: "Tolerated"; PolyPhen-2: "Probably Damaging"; Align-GVGD: "Class C0"). In summary, the available evidence is currently insufficient to determine the role of this variant in disease. Therefore, it has been classified as a Variant of Uncertain Significance.

NM_001042492.3(NF1):c.7694C>T (p.Thr2565Ile)

Gene: NF1 (neurofibromin 1; plus strand). Cytogenetic location: 17q11.2.
Variant type: single nucleotide variant.
Coding change: c.7694C>T on transcript NM_001042492.3 (MANE Select); coding-DNA position 7694, C replaced by T.
Protein change: p.Thr2565Ile; replaces threonine 2565 with isoleucine.
Molecular consequence: missense variant.
Genome position (GRCh38, 1-based): chr17:31,356,538, C>T. VCF-style: chr17-31356538-C-T. GRCh37 (hg19) VCF-style: chr17-29683556-C-T.
Other names: c.7631C>T, p.Thr2544Ile (NM_000267.4); short protein forms T2544I, T2565I.
Identifiers: ClinVar variation 2109897 (VCV002109897.5), dbSNP rs2151581252, ClinGen allele CA399018148.